The following is an entry in ClinVar:

ClinVar aggregate classification (germline): Uncertain significance (1 of 4 stars; one submission).

gnomAD v4.1: 2 of 1,613,776 alleles (0.00012%); highest among the groups gnomAD compares: African/African-American, 0.0027%; no homozygotes.

Submission:

GeneDx
Classification: Uncertain significance. Last evaluated: 2024-05-07. Review status: criteria provided, single submitter. Criteria: GeneDx Variant Classification Process June 2021. Collection method: clinical testing. Allele origin: germline. Affected: yes.
Comment: Not observed at significant frequency in large population cohorts (gnomAD); In silico analysis supports that this missense variant has a deleterious effect on protein structure/function; Has not been previously published as pathogenic or benign to our knowledge

NM_138927.4(SON):c.3529C>T (p.Pro1177Ser)

Gene: SON (SON DNA and RNA binding protein; plus strand). Cytogenetic location: 21q22.11.
Variant type: single nucleotide variant.
Coding change: c.3529C>T on transcript NM_138927.4 (MANE Select); coding-DNA position 3529, C replaced by T.
Protein change: p.Pro1177Ser; replaces proline 1177 with serine.
Molecular consequence: missense variant. On other transcripts: non-coding transcript variant (1), intron variant (1).
Genome position (GRCh38, 1-based): chr21:33,552,760, C>T. VCF-style: chr21-33552760-C-T. GRCh37 (hg19) VCF-style: chr21-34925066-C-T.
Other names: c.3529C>T, p.Pro1177Ser (NM_001291411.2, NM_032195.3); c.245-4396C>T (NM_001291412.3); short protein forms P1177S.
Identifiers: ClinVar variation 3375585 (VCV003375585.1).